The following is an entry in ClinVar:

ClinVar aggregate classification (germline): Likely benign (1 of 4 stars; one submission).

Allele frequency attached by ClinVar (database versions not stated): 1000 Genomes Project 30x 0.00109; 1000 Genomes Project 0.00140; ESP Exome Variant Server 0.00392.
gnomAD v4.1: 6,048 of 1,611,874 alleles (0.38%); highest among the groups gnomAD compares: Middle Eastern, 0.45%; 23 homozygotes.

Submission:

CeGaT Center for Human Genetics Tuebingen
Classification: Likely benign. Last evaluated: 2022-03-01. Review status: criteria provided, single submitter. Criteria: CeGaT Center For Human Genetics Tuebingen Variant Classification Criteria Version 2. Collection method: clinical testing. Allele origin: germline. Affected: yes. Observed: 1 variant allele.
Comment: POM121C: BP4, BP7

NM_001099415.3(POM121C):c.996G>T (p.Leu332=)

Gene: POM121C (POM121 transmembrane nucleoporin C; minus strand). Cytogenetic location: 7q11.23.
Variant type: single nucleotide variant.
Coding change: c.996G>T on transcript NM_001099415.3 (MANE Select); coding-DNA position 996, G replaced by T.
Protein change: p.Leu332=; no amino-acid change (leucine 332 retained).
Molecular consequence: synonymous variant.
Genome position (GRCh38, 1-based): chr7:75,424,101, C>A on the plus strand (G>T on the coding strand, the complement: POM121C is on the minus strand). VCF-style: chr7-75424101-C-A. GRCh37 (hg19) VCF-style: chr7-75053384-C-A.
Identifiers: ClinVar variation 2657611 (VCV002657611.24), dbSNP rs371841804, ClinGen allele CA4300666.